The following is an entry in ClinVar:

ClinVar aggregate classification (germline): Uncertain significance (1 of 4 stars; one submission).

Conditions:
Early-infantile DEE. Also called: Ohtahara syndrome; Early infantile epileptic encephalopathy with suppression bursts; Early infantile epileptic encephalopathy. Identifiers: Orphanet 1934, MedGen C0393706, MONDO:0800491.

Allele frequency attached by ClinVar (database versions not stated): gnomAD exomes below 0.00001; gnomAD 0.00002; TOPMed 0.00003.
gnomAD v4.1: 3 of 1,608,990 alleles (0.00019%); highest among the groups gnomAD compares: Admixed American, 0.005%; no homozygotes.

Submission:

Labcorp Genetics (formerly Invitae), Labcorp
Classification: Uncertain significance for Early-infantile DEE. Last evaluated: 2025-02-07. Review status: criteria provided, single submitter. Criteria: Invitae Variant Classification Sherloc (09022015). Collection method: clinical testing. Allele origin: germline.
Comment: This sequence change replaces leucine, which is neutral and non-polar, with phenylalanine, which is neutral and non-polar, at codon 1270 of the SCN8A protein (p.Leu1270Phe). This variant is present in population databases (no rsID available, gnomAD 0.003%). This variant has not been reported in the literature in individuals affected with SCN8A-related conditions. ClinVar contains an entry for this variant (Variation ID: 1051064). Invitae Evidence Modeling of protein sequence and biophysical properties (such as structural, functional, and spatial information, amino acid conservation, physicochemical variation, residue mobility, and thermodynamic stability) indicates that this missense variant is not expected to disrupt SCN8A protein function with a negative predictive value of 95%. In summary, the available evidence is currently insufficient to determine the role of this variant in disease. Therefore, it has been classified as a Variant of Uncertain Significance.

NM_001330260.2(SCN8A):c.3808C>T (p.Leu1270Phe)

Gene: SCN8A (sodium voltage-gated channel alpha subunit 8; plus strand). Cytogenetic location: 12q13.13.
Variant type: single nucleotide variant.
Coding change: c.3808C>T on transcript NM_001330260.2 (MANE Select); coding-DNA position 3808, C replaced by T.
Protein change: p.Leu1270Phe; replaces leucine 1270 with phenylalanine.
Molecular consequence: missense variant.
Genome position (GRCh38, 1-based): chr12:51,774,351, C>T. VCF-style: chr12-51774351-C-T. GRCh37 (hg19) VCF-style: chr12-52168135-C-T.
Other names: c.3808C>T, p.Leu1270Phe (NM_001177984.3, NM_001369788.1, NM_014191.4); short protein forms L1270F.
Identifiers: ClinVar variation 1051064 (VCV001051064.11), dbSNP rs1375638748, ClinGen allele CA384899814.